The following is an entry in ClinVar:

ClinVar aggregate classification (germline): Pathogenic (1 of 4 stars; one submission).

Conditions:
Granulomatous disease, chronic, X-linked. Also called: GRANULOMATOUS DISEASE, CHRONIC, X-LINKED, SOMATIC MOSAIC; CYTOCHROME b-NEGATIVE GRANULOMATOUS DISEASE, CHRONIC, X-LINKED. Identifiers: Orphanet 379, MedGen C1844376, MONDO:0010600, OMIM 306400.

Submission:

Labcorp Genetics (formerly Invitae), Labcorp
Classification: Pathogenic for Granulomatous disease, chronic, X-linked. Last evaluated: 2022-07-26. Review status: criteria provided, single submitter. Criteria: Invitae Variant Classification Sherloc (09022015). Collection method: clinical testing. Allele origin: germline.
Comment: This variant, c.646_648del, results in the deletion of 1 amino acid(s) of the CYBB protein (p.Phe216del), but otherwise preserves the integrity of the reading frame. This variant is not present in population databases (gnomAD no frequency). This variant has been observed in individuals with chronic granulomatous disease (PMID: 8070813, 8916969, 9111587, 29560547). This variant is also known as p.Phe215del (F215del). ClinVar contains an entry for this variant (Variation ID: 957655). Algorithms developed to predict the effect of variants on protein structure and function are not available or were not evaluated for this variant. Experimental studies have shown that this variant affects CYBB function (PMID: 9111587). For these reasons, this variant has been classified as Pathogenic.

Literature cited by the submitters: PubMed 8070813; PubMed 8916969; PubMed 9111587; PubMed 29560547.

NM_000397.4(CYBB):c.643TTC[1] (p.Phe216del)

Gene: CYBB (cytochrome b-245 beta chain; plus strand). Cytogenetic location: Xp21.1.
Variant type: Microsatellite.
Coding change: c.643TTC[1] on transcript NM_000397.4 (MANE Select); one copy of the 3-base unit TTC starting at c.643; the reference has two copies in a row; one copy, 3 bases deleted.
Protein change: p.Phe216del; deletes phenylalanine 216.
Molecular consequence: inframe deletion.
Genome position (GRCh38, 1-based): chrX:37,796,113-37,796,115, TTC deleted; deleting any 3 consecutive bases within chrX:37,796,108-37,796,115 gives the same sequence; the position shown is the placement nearest the transcript's 3' end. VCF-style (leftmost placement, unchanged base first): chrX-37796107-ATCT-A. GRCh37 (hg19) VCF-style: chrX-37655360-ATCT-A.
Other names: short protein forms F216del.
Identifiers: ClinVar variation 957655 (VCV000957655.10), dbSNP rs1929302971, ClinGen allele CA2424680433.